The following is an entry in ClinVar:

NM_007294.4(BRCA1):c.3539G>C (p.Ser1180Thr)

Genes: BRCA1 (BRCA1 DNA repair associated; minus strand), LOC126862571 (BRD4-independent group 4 enhancer GRCh37_chr17:41243136-41244335; plus strand). Cytogenetic location: 17q21.31.
Variant type: single nucleotide variant.
Coding change: c.3539G>C on transcript NM_007294.4 (MANE Select); coding-DNA position 3539, G replaced by C.
Protein change: p.Ser1180Thr; replaces serine 1180 with threonine.
Molecular consequence: missense variant. On other transcripts: intron variant (135).
Genome position (GRCh38, 1-based): chr17:43,091,992, C>G on the plus strand (G>C on the coding strand, the complement: BRCA1 is on the minus strand). VCF-style: chr17-43091992-C-G. GRCh37 (hg19) VCF-style: chr17-41244009-C-G.
Other names: c.3398G>C, p.Ser1133Thr (NM_001407738.1, NM_001407739.1, NM_001407692.1 and 29 more transcripts); c.647-960G>C (NM_001408456.1, NM_001408458.1, NM_001408469.1 and 11 more transcripts); c.644-960G>C (NM_001408465.1, NM_001408463.1, NM_001408470.1 and 3 more transcripts); c.578-960G>C (NM_001408482.1, NM_001408484.1, NM_001408478.1 and 9 more transcripts); c.521-960G>C (NM_001408504.1, NM_001408503.1, NM_001408505.1); c.3395G>C, p.Ser1132Thr (NM_001407740.1, NM_001407741.1, NM_001407743.1 and 20 more transcripts); c.524-960G>C (NM_001408499.1, NM_001408498.1, NM_001408501.1 and 3 more transcripts); c.671-960G>C (NM_001408422.1, NM_001408423.1, NM_001408420.1 and 2 more transcripts); and 41 more; short protein forms S1180T, S1133T, S1053T, S1069T, S1109T, S1112T, S1132T, S1177T.
Identifiers: ClinVar variation 925307 (VCV000925307.5), dbSNP rs1064793057, ClinGen allele CA10594888.

ClinVar aggregate classification (germline): Conflicting classifications of pathogenicity. Review status: criteria provided, conflicting classifications (1 of 4 stars). 2 submissions from 2 submitters: Uncertain significance (1); Likely benign (1). Last evaluated 2023-03-23.

Conditions:
Hereditary cancer-predisposing syndrome. Also called: Neoplastic Syndromes, Hereditary; Tumor predisposition; Hereditary Cancer Syndrome; Hereditary neoplastic syndrome. Identifiers: Orphanet 140162, MedGen C0027672, MeSH D009386, MONDO:0015356.

Submissions (2):

University of Washington Department of Laboratory Medicine, University of Washington
Classification: Likely benign for Hereditary cancer-predisposing syndrome. Last evaluated: 2023-03-23. Review status: criteria provided, single submitter. Criteria: Dines et al. (Genet Med. 2020). Collection method: curation. Allele origin: germline.
Comment: Missense variant in a coldspot region where missense variants are very unlikely to be pathogenic (PMID:31911673).

BRCA1 coldspot (exon 11 using historical exon numbering). Reclassification based on statistical prior probability

Color Diagnostics, LLC DBA Color Health
Classification: Uncertain significance for Hereditary cancer-predisposing syndrome. Last evaluated: 2019-05-16. Review status: criteria provided, single submitter. Criteria: ACMG Guidelines, 2015. Collection method: clinical testing. Allele origin: germline.